The following is an entry in ClinVar:

ClinVar aggregate classification (germline): Pathogenic/Likely pathogenic. Review status: criteria provided, multiple submitters, no conflicts (2 of 4 stars). 3 submissions from 3 submitters: Pathogenic (1); Likely pathogenic (2). Last evaluated 2025-03-24.

Conditions:
Hermansky-Pudlak syndrome 6 (HPS6). Identifiers: Orphanet 231512, Orphanet 79430, MedGen C3888007, MONDO:0013558, OMIM 614075.

Submissions (3):

Labcorp Genetics (formerly Invitae), Labcorp
Classification: Pathogenic. Last evaluated: 2025-03-24. Review status: criteria provided, single submitter. Criteria: Invitae Variant Classification Sherloc (09022015). Collection method: clinical testing. Allele origin: germline.
Comment: This sequence change creates a premature translational stop signal (p.Ala597Glnfs*16) in the HPS6 gene. While this is not anticipated to result in nonsense mediated decay, it is expected to disrupt the last 179 amino acid(s) of the HPS6 protein. The frequency data for this variant in the population databases is considered unreliable, as metrics indicate poor data quality at this position in the gnomAD database. This premature translational stop signal has been observed in individual(s) with oculocutaneous albinism (PMID: 35054407). ClinVar contains an entry for this variant (Variation ID: 2440763). This variant disrupts a region of the HPS6 protein in which other variant(s) (p.Gln680*) have been determined to be pathogenic (PMID: 27225848). This suggests that this is a clinically significant region of the protein, and that variants that disrupt it are likely to be disease-causing. For these reasons, this variant has been classified as Pathogenic.

Revvity Omics, Revvity
Classification: Likely pathogenic for Hermansky-Pudlak syndrome 6. Last evaluated: 2022-01-04. Review status: criteria provided, single submitter. Criteria: ACMG Guidelines, 2015. Collection method: clinical testing. Allele origin: germline.

Clinical Genetics Service, Universitary Hospital 12 de Octubre
Classification: Likely pathogenic for Hermansky-Pudlak syndrome 6. Review status: criteria provided, single submitter. Criteria: ACMG Guidelines, 2015. Collection method: clinical testing. Allele origin: germline. Affected: yes.

Literature cited by the submitters: PubMed 35054407 (cited by Labcorp Genetics (formerly Invitae), Labcorp); PubMed 27225848 (cited by Labcorp Genetics (formerly Invitae), Labcorp).

NM_024747.6(HPS6):c.1789del (p.Ala597fs)

Gene: HPS6 (HPS6 biogenesis of lysosomal organelles complex 2 subunit 3; plus strand). Cytogenetic location: 10q24.32.
Variant type: Deletion.
Coding change: c.1789del on transcript NM_024747.6 (MANE Select); coding-DNA position 1789, one base deleted (G; older notation c.1789delG).
Protein change: p.Ala597fs; shifts the reading frame from alanine 597.
Molecular consequence: frameshift variant.
Genome position (GRCh38, 1-based): chr10:102,067,263, G deleted; the last of 6 consecutive G bases (chr10:102,067,258-102,067,263); deleting any one gives the same sequence. VCF-style (leftmost placement, unchanged base first): chr10-102067257-TG-T. GRCh37 (hg19) VCF-style: chr10-103827014-TG-T.
Other names: short protein forms A597fs.
Identifiers: ClinVar variation 2440763 (VCV002440763.6), dbSNP rs1383241620, ClinGen allele CA595248874.